The following is an entry in ClinVar:

NM_000553.6(WRN):c.1523A>C (p.Glu508Ala)

Gene: WRN (WRN RecQ like helicase; plus strand). Cytogenetic location: 8p12.
Variant type: single nucleotide variant.
Coding change: c.1523A>C on transcript NM_000553.6 (MANE Select); coding-DNA position 1523, A replaced by C.
Protein change: p.Glu508Ala; replaces glutamic acid 508 with alanine.
Molecular consequence: missense variant.
Genome position (GRCh38, 1-based): chr8:31,087,867, A>C. VCF-style: chr8-31087867-A-C. GRCh37 (hg19) VCF-style: chr8-30945383-A-C.
Other names: short protein forms E508A.
Identifiers: ClinVar variation 1063126 (VCV001063126.3), dbSNP rs1813594768, ClinGen allele CA370924599.

ClinVar aggregate classification (germline): Uncertain significance (1 of 4 stars; one submission).

Conditions:
Werner syndrome (WRN). Identifiers: Orphanet 902, MedGen C0043119, MONDO:0010196, OMIM 277700.

Submission:

Labcorp Genetics (formerly Invitae), Labcorp
Classification: Uncertain significance for Werner syndrome. Last evaluated: 2020-10-01. Review status: criteria provided, single submitter. Criteria: Invitae Variant Classification Sherloc (09022015). Collection method: clinical testing. Allele origin: germline.
Comment: In summary, the available evidence is currently insufficient to determine the role of this variant in disease. Therefore, it has been classified as a Variant of Uncertain Significance. This sequence change replaces glutamic acid with alanine at codon 508 of the WRN protein (p.Glu508Ala). The glutamic acid residue is weakly conserved and there is a moderate physicochemical difference between glutamic acid and alanine. This variant is not present in population databases (ExAC no frequency). This variant has not been reported in the literature in individuals with WRN-related conditions. Algorithms developed to predict the effect of missense changes on protein structure and function are either unavailable or do not agree on the potential impact of this missense change (SIFT: "Not Available"; PolyPhen-2: "Benign"; Align-GVGD: "Not Available").